The following is an entry in ClinVar:

NM_173728.4(ARHGEF15):c.653G>T (p.Arg218Leu)

Gene: ARHGEF15 (Rho guanine nucleotide exchange factor 15; plus strand). Cytogenetic location: 17p13.1.
Variant type: single nucleotide variant.
Coding change: c.653G>T on transcript NM_173728.4 (MANE Select); coding-DNA position 653, G replaced by T.
Protein change: p.Arg218Leu; replaces arginine 218 with leucine.
Molecular consequence: missense variant.
Genome position (GRCh38, 1-based): chr17:8,312,973, G>T. VCF-style: chr17-8312973-G-T. GRCh37 (hg19) VCF-style: chr17-8216291-G-T.
Other names: c.653G>T, p.Arg218Leu (NM_025014.2); short protein forms R218L.
Identifiers: ClinVar variation 3643029 (VCV003643029.2).

ClinVar aggregate classification (germline): Uncertain significance (1 of 4 stars; one submission).

Conditions:
Early-infantile DEE. Also called: Early infantile epileptic encephalopathy; Ohtahara syndrome; Early infantile epileptic encephalopathy with suppression bursts. Identifiers: Orphanet 1934, MedGen C0393706, MONDO:0800491.

Submission:

Labcorp Genetics (formerly Invitae), Labcorp
Classification: Uncertain significance for Early-infantile DEE. Last evaluated: 2025-02-03. Review status: criteria provided, single submitter. Criteria: Invitae Variant Classification Sherloc (09022015). Collection method: clinical testing. Allele origin: germline.
Comment: This sequence change replaces arginine, which is basic and polar, with leucine, which is neutral and non-polar, at codon 218 of the ARHGEF15 protein (p.Arg218Leu). This variant is not present in population databases (gnomAD no frequency). This variant has not been reported in the literature in individuals affected with ARHGEF15-related conditions. An algorithm developed to predict the effect of missense changes on protein structure and function (PolyPhen-2) suggests that this variant is likely to be tolerated. In summary, the available evidence is currently insufficient to determine the role of this variant in disease. Therefore, it has been classified as a Variant of Uncertain Significance.